The following is an entry in ClinVar:

ClinVar aggregate classification (germline): Uncertain significance (1 of 4 stars; one submission).

Submission:

GeneDx
Classification: Uncertain significance. Last evaluated: 2016-06-20. Review status: criteria provided, single submitter. Criteria: GeneDx Variant Classification (06012015). Collection method: clinical testing. Allele origin: germline. Affected: yes.
Comment: The H559Q variant in the ADNP gene has not been reported previously as a pathogenic variant, nor as a benign variant, to our knowledge. The H559Q variant was not observed in approximately 6500 individuals of European and African American ancestry in the NHLBI Exome Sequencing Project, indicating it is not a common benign variant in these populations. The H559Q variant is a semi-conservative amino acid substitution, which may impact secondary protein structure as these residues differ in some properties. This substitution occurs at a position that is conserved in mammals. However, in silico analysis is inconsistent in its predictions as to whether or not the variant is damaging to the protein structure/function. We interpret H559Q as a variant of uncertain significance.

NM_001282531.3(ADNP):c.1677C>A (p.His559Gln)

Gene: ADNP (activity dependent neuroprotector homeobox; minus strand). Cytogenetic location: 20q13.13.
Variant type: single nucleotide variant.
Coding change: c.1677C>A on transcript NM_001282531.3 (MANE Select); coding-DNA position 1677, C replaced by A.
Protein change: p.His559Gln; replaces histidine 559 with glutamine.
Molecular consequence: missense variant.
Genome position (GRCh38, 1-based): chr20:50,893,037, G>T on the plus strand (C>A on the coding strand, the complement: ADNP is on the minus strand). VCF-style: chr20-50893037-G-T. GRCh37 (hg19) VCF-style: chr20-49509574-G-T.
Other names: c.1677C>A, p.His559Gln (NM_001282532.2, NM_001347511.2, NM_015339.5 and 1 more transcripts); short protein forms H559Q.
Identifiers: ClinVar variation 387173 (VCV000387173.2), dbSNP rs1057522714, ClinGen allele CA16609044.